The following is an entry in ClinVar:

ClinVar aggregate classification (germline): Uncertain significance (1 of 4 stars; one submission).

Conditions:
Cardiovascular phenotype. Identifiers: MedGen CN230736.
Hereditary cancer-predisposing syndrome. Also called: Tumor predisposition; Hereditary neoplastic syndrome; Neoplastic Syndromes, Hereditary; Hereditary Cancer Syndrome. Identifiers: Orphanet 140162, MedGen C0027672, MeSH D009386, MONDO:0015356.

Submission:

Ambry Genetics
Classification: Uncertain significance for Cardiovascular phenotype; Hereditary cancer-predisposing syndrome. Last evaluated: 2019-08-09. Review status: criteria provided, single submitter. Criteria: Ambry Variant Classification Scheme 2023. Collection method: clinical testing. Allele origin: germline.
Comment: The p.K428E variant (also known as c.1282A>G), located in coding exon 12 of the NF1 gene, results from an A to G substitution at nucleotide position 1282. The lysine at codon 428 is replaced by glutamic acid, an amino acid with similar properties. This amino acid position is highly conserved in available vertebrate species. In addition, the in silico prediction for this alteration is inconclusive. Since supporting evidence is limited at this time, the clinical significance of this alteration remains unclear.

NM_001042492.3(NF1):c.1282A>G (p.Lys428Glu)

Gene: NF1 (neurofibromin 1; plus strand). Cytogenetic location: 17q11.2.
Variant type: single nucleotide variant.
Coding change: c.1282A>G on transcript NM_001042492.3 (MANE Select); coding-DNA position 1282, A replaced by G.
Protein change: p.Lys428Glu; replaces lysine 428 with glutamic acid.
Molecular consequence: missense variant.
Genome position (GRCh38, 1-based): chr17:31,206,261, A>G. VCF-style: chr17-31206261-A-G. GRCh37 (hg19) VCF-style: chr17-29533279-A-G.
Other names: c.1282A>G, p.Lys428Glu (NM_000267.4, NM_001128147.3); short protein forms K428E.
Identifiers: ClinVar variation 818789 (VCV000818789.4), dbSNP rs1597688751, ClinGen allele CA398999156.